The following is an entry in ClinVar:

NM_001286445.3(RIPOR2):c.431T>C (p.Leu144Pro)

Gene: RIPOR2 (RHO family interacting cell polarization regulator 2; minus strand). Cytogenetic location: 6p22.3.
Variant type: single nucleotide variant.
Coding change: c.431T>C on transcript NM_001286445.3 (MANE Select); coding-DNA position 431, T replaced by C.
Protein change: p.Leu144Pro; replaces leucine 144 with proline.
Molecular consequence: missense variant.
Genome position (GRCh38, 1-based): chr6:24,870,882, A>G on the plus strand (T>C on the coding strand, the complement: RIPOR2 is on the minus strand). VCF-style: chr6-24870882-A-G. GRCh37 (hg19) VCF-style: chr6-24871110-A-G.
Other names: c.446T>C, p.Leu149Pro (NM_001286446.3); c.344T>C, p.Leu115Pro (NM_001286447.2, NM_001346031.2, NM_001346032.2 and 2 more transcripts); short protein forms L115P, L149P, L144P.
Identifiers: ClinVar variation 2839979 (VCV002839979.3), dbSNP rs764687451, ClinGen allele CA3659536.

ClinVar aggregate classification (germline): Uncertain significance (1 of 4 stars; one submission).

Allele frequency attached by ClinVar (database versions not stated): gnomAD exomes below 0.00001; ExAC 0.00001.
gnomAD v4.1: 1 of 1,597,596 alleles (0.000063%); highest among the groups gnomAD compares: Non-Finnish European, 0.000085%; no homozygotes.

Submission:

Labcorp Genetics (formerly Invitae), Labcorp
Classification: Uncertain significance. Last evaluated: 2023-02-28. Review status: criteria provided, single submitter. Criteria: Invitae Variant Classification Sherloc (09022015). Collection method: clinical testing. Allele origin: germline.
Comment: An algorithm developed to predict the effect of missense changes on protein structure and function (PolyPhen-2) suggests that this variant is likely to be disruptive. This variant has not been reported in the literature in individuals affected with FAM65B-related conditions. The frequency data for this variant in the population databases is considered unreliable, as metrics indicate poor data quality at this position in the gnomAD database. This sequence change replaces leucine, which is neutral and non-polar, with proline, which is neutral and non-polar, at codon 115 of the FAM65B protein (p.Leu115Pro). In summary, the available evidence is currently insufficient to determine the role of this variant in disease. Therefore, it has been classified as a Variant of Uncertain Significance.